The following is an entry in ClinVar:

NM_033400.3(ZFHX2):c.1440C>T (p.Asn480=)

Genes: THTPA (thiamine triphosphatase; plus strand), ZFHX2 (zinc finger homeobox 2; minus strand). Cytogenetic location: 14q11.2.
Variant type: single nucleotide variant.
Coding change: c.1440C>T on transcript NM_033400.3 (MANE Select); coding-DNA position 1440, C replaced by T.
Protein change: p.Asn480=; no amino-acid change (asparagine 480 retained).
Molecular consequence: synonymous variant.
Genome position (GRCh38, 1-based): chr14:23,533,886, G>A on the plus strand (C>T on the coding strand, the complement: ZFHX2 is on the minus strand). VCF-style: chr14-23533886-G-A. GRCh37 (hg19) VCF-style: chr14-24003095-G-A.
Identifiers: ClinVar variation 2644122 (VCV002644122.24), dbSNP rs779938892, ClinGen allele CA257798153.

ClinVar aggregate classification (germline): Likely benign (1 of 4 stars; one submission).

Allele frequency attached by ClinVar (database versions not stated): gnomAD 0.00001; TOPMed 0.00001; gnomAD exomes 0.00002.
gnomAD v4.1: 30 of 1,537,960 alleles (0.002%); highest among the groups gnomAD compares: Non-Finnish European, 0.0024%; no homozygotes.

Submission:

CeGaT Center for Human Genetics Tuebingen
Classification: Likely benign. Last evaluated: 2023-09-01. Review status: criteria provided, single submitter. Criteria: CeGaT Center For Human Genetics Tuebingen Variant Classification Criteria Version 2. Collection method: clinical testing. Allele origin: germline. Affected: yes. Observed: 1 variant allele.
Comment: ZFHX2: BP4, BP7